The following is an entry in ClinVar:

ClinVar aggregate classification (germline): Uncertain significance (1 of 4 stars; one submission).

Submission:

Labcorp Genetics (formerly Invitae), Labcorp
Classification: Uncertain significance. Last evaluated: 2025-12-16. Review status: criteria provided, single submitter. Criteria: Invitae Variant Classification Sherloc (09022015). Collection method: clinical testing. Allele origin: germline.
Comment: This sequence change replaces methionine, which is neutral and non-polar, with leucine, which is neutral and non-polar, at codon 304 of the MTOR protein (p.Met304Leu). This variant is not present in population databases (gnomAD no frequency). This variant has not been reported in the literature in individuals affected with MTOR-related conditions. Invitae Evidence Modeling of protein sequence and biophysical properties (such as structural, functional, and spatial information, amino acid conservation, physicochemical variation, residue mobility, and thermodynamic stability) indicates that this missense variant is not expected to disrupt MTOR protein function with a negative predictive value of 95%. In summary, the available evidence is currently insufficient to determine the role of this variant in disease. Therefore, it has been classified as a Variant of Uncertain Significance.

NM_004958.4(MTOR):c.910A>C (p.Met304Leu)

Gene: MTOR (mechanistic target of rapamycin kinase; minus strand). Cytogenetic location: 1p36.22.
Variant type: single nucleotide variant.
Coding change: c.910A>C on transcript NM_004958.4 (MANE Select); coding-DNA position 910, A replaced by C.
Protein change: p.Met304Leu; replaces methionine 304 with leucine.
Molecular consequence: missense variant. On other transcripts: 5 prime UTR variant (1).
Genome position (GRCh38, 1-based): chr1:11,248,025, T>G on the plus strand (A>C on the coding strand, the complement: MTOR is on the minus strand). VCF-style: chr1-11248025-T-G. GRCh37 (hg19) VCF-style: chr1-11308082-T-G.
Other names: c.910A>C, p.Met304Leu (NM_001386500.1); c.-230A>C (NM_001386501.1); short protein forms M304L.
Identifiers: ClinVar variation 4799852 (VCV004799852.1).